The following is an entry in ClinVar:

ClinVar aggregate classification (germline): Uncertain significance (1 of 4 stars; one submission).

Conditions:
Developmental and epileptic encephalopathy, 34 (DEE34). Also called: Early infantile epileptic encephalopathy 34; SLC12A5-Related Epilepsy of Infancy with Migrating Focal Seizures. Identifiers: Orphanet 293181, MedGen C4225257, MONDO:0014718, OMIM 616645.

Allele frequency attached by ClinVar (database versions not stated): gnomAD exomes below 0.00001 and 0.00001; ExAC 0.00002; TOPMed 0.00003; gnomAD 0.00004.
gnomAD v4.1: 7 of 1,614,088 alleles (0.00043%); highest among the groups gnomAD compares: African/African-American, 0.0093%; no homozygotes.

Submission:

Labcorp Genetics (formerly Invitae), Labcorp
Classification: Uncertain significance for Developmental and epileptic encephalopathy, 34. Last evaluated: 2021-08-31. Review status: criteria provided, single submitter. Criteria: Invitae Variant Classification Sherloc (09022015). Collection method: clinical testing. Allele origin: germline.
Comment: This sequence change replaces valine with leucine at codon 1061 of the SLC12A5 protein (p.Val1061Leu). The valine residue is moderately conserved and there is a small physicochemical difference between valine and leucine. This variant is present in population databases (rs763066735, ExAC 0.02%). This variant has not been reported in the literature in individuals affected with SLC12A5-related conditions. Advanced modeling of protein sequence and biophysical properties (such as structural, functional, and spatial information, amino acid conservation, physicochemical variation, residue mobility, and thermodynamic stability) performed at Invitae indicates that this missense variant is not expected to disrupt SLC12A5 protein function. In summary, the available evidence is currently insufficient to determine the role of this variant in disease. Therefore, it has been classified as a Variant of Uncertain Significance.

NM_020708.5(SLC12A5):c.3181G>T (p.Val1061Leu)

Gene: SLC12A5 (solute carrier family 12 member 5; plus strand). Cytogenetic location: 20q13.12.
Variant type: single nucleotide variant.
Coding change: c.3181G>T on transcript NM_020708.5 (MANE Select); coding-DNA position 3181, G replaced by T.
Protein change: p.Val1061Leu; replaces valine 1061 with leucine.
Molecular consequence: missense variant.
Genome position (GRCh38, 1-based): chr20:46,057,225, G>T. VCF-style: chr20-46057225-G-T. GRCh37 (hg19) VCF-style: chr20-44685864-G-T.
Other names: c.3250G>T, p.Val1084Leu (NM_001134771.2); short protein forms V1084L, V1061L.
Identifiers: ClinVar variation 1479287 (VCV001479287.5), dbSNP rs763066735, ClinGen allele CA9887838.